The following is an entry in ClinVar:

ClinVar aggregate classification (germline): Uncertain significance. Review status: criteria provided, multiple submitters, no conflicts (2 of 4 stars). 2 submissions from 2 submitters: Uncertain significance (2). Last evaluated 2022-08-17.

Conditions:
Cardiovascular phenotype. Identifiers: MedGen CN230736.
Aortic valve disease 2 (AOVD2). Identifiers: MedGen C3542024, MONDO:0013902, OMIM 614823.

Allele frequency attached by ClinVar (database versions not stated): TOPMed 0.00002; gnomAD 0.00003.
gnomAD v4.1: 10 of 1,614,018 alleles (0.00062%); highest among the groups gnomAD compares: Non-Finnish European, 0.00076%; no homozygotes.

Submissions (2):

Ambry Genetics
Classification: Uncertain significance for Cardiovascular phenotype. Last evaluated: 2022-08-17. Review status: criteria provided, single submitter. Criteria: Ambry Variant Classification Scheme 2023. Collection method: clinical testing. Allele origin: germline.
Comment: The p.T98M variant (also known as c.293C>T), located in coding exon 3 of the TBX5 gene, results from a C to T substitution at nucleotide position 293. The threonine at codon 98 is replaced by methionine, an amino acid with similar properties. This amino acid position is conserved. In addition, this alteration is predicted to be deleterious by in silico analysis. Since supporting evidence is limited at this time, the clinical significance of this alteration remains unclear.

Labcorp Genetics (formerly Invitae), Labcorp
Classification: Uncertain significance for Aortic valve disease 2. Last evaluated: 2021-11-10. Review status: criteria provided, single submitter. Criteria: Invitae Variant Classification Sherloc (09022015). Collection method: clinical testing. Allele origin: germline.
Comment: This sequence change replaces threonine, which is neutral and polar, with methionine, which is neutral and non-polar, at codon 98 of the TBX5 protein (p.Thr98Met). This variant is not present in population databases (gnomAD no frequency). This variant has not been reported in the literature in individuals affected with TBX5-related conditions. ClinVar contains an entry for this variant (Variation ID: 1006507). Advanced modeling of protein sequence and biophysical properties (such as structural, functional, and spatial information, amino acid conservation, physicochemical variation, residue mobility, and thermodynamic stability) performed at Invitae indicates that this missense variant is not expected to disrupt TBX5 protein function. In summary, the available evidence is currently insufficient to determine the role of this variant in disease. Therefore, it has been classified as a Variant of Uncertain Significance.

NM_181486.4(TBX5):c.293C>T (p.Thr98Met)

Gene: TBX5 (T-box transcription factor 5; minus strand). Cytogenetic location: 12q24.21.
Variant type: single nucleotide variant.
Coding change: c.293C>T on transcript NM_181486.4 (MANE Select); coding-DNA position 293, C replaced by T.
Protein change: p.Thr98Met; replaces threonine 98 with methionine.
Molecular consequence: missense variant.
Genome position (GRCh38, 1-based): chr12:114,399,582, G>A on the plus strand (C>T on the coding strand, the complement: TBX5 is on the minus strand). VCF-style: chr12-114399582-G-A. GRCh37 (hg19) VCF-style: chr12-114837387-G-A.
Other names: c.293C>T, p.Thr98Met (NM_000192.3); c.143C>T, p.Thr48Met (NM_080717.4); short protein forms T48M, T98M.
Identifiers: ClinVar variation 1006507 (VCV001006507.8), dbSNP rs772844823, ClinGen allele CA244128692.
Genomic context (GRCh38, chr12:114,399,582, plus strand): 5'-TCTGCGAATTTGTATCTGTGATCGTCGGCAGGTACAATGTCCATGAGAAGAATGTACTTC[G>A]TTTTGGGATTAAGGCCCGTCACCTTCACTTTGTAACTGGGAAACATCCGCCTAAGAGAGA-3'
Protein context (NP_852259.1, residues 88-108): KVKVTGLNPK[Thr98Met]KYILLMDIVP